The following is an entry in ClinVar:

ClinVar aggregate classification (germline): Pathogenic. Review status: criteria provided, multiple submitters, no conflicts (2 of 4 stars). 2 submissions from 2 submitters: Pathogenic (2). Last evaluated 2024-01-29.

Conditions:
Familial adenomatous polyposis 1 (FAP1). Also called: FAMILIAL ADENOMATOUS POLYPOSIS 1, ATTENUATED; POLYPOSIS, ADENOMATOUS INTESTINAL. Identifiers: MedGen C2713442, MONDO:0021056, OMIM 175100. Disease mechanism: loss of function.
Familial multiple polyposis syndrome (FAP). Also called: Familial Adenomatous Polyposis (FAP); Familial adenomatous polyposis; Familial intestinal polyposis; Familial polyposis; Classic familial adenomatous polyposis. Identifiers: Orphanet 733, MedGen C0032580, MONDO:0021055. Disease mechanism: loss of function.

Submissions (2):

Women's Health and Genetics/Laboratory Corporation of America, LabCorp
Classification: Pathogenic for Familial multiple polyposis syndrome. Last evaluated: 2024-01-29. Review status: criteria provided, single submitter. Criteria: LabCorp Variant Classification Summary - May 2015. Collection method: clinical testing. Allele origin: germline.
Comment: Variant summary: APC c.959C>A (p.Ser320X) results in a premature termination codon, predicted to cause a truncation of the encoded protein or absence of the protein due to nonsense mediated decay, which are commonly known mechanisms for disease. The frequency data for this variant in gnomAD is considered unreliable, as metrics indicate poor data quality at this position. c.959C>A has been reported in the literature in at least one individual affected with colorectal cancer (e.g. Chang_2018). To our knowledge, no experimental evidence demonstrating an impact on protein function has been reported. The following publication have been ascertained in the context of this evaluation (PMID: 31127692). ClinVar contains an entry for this variant (Variation ID: 2583947). Based on the evidence outlined above, the variant was classified as pathogenic.

Myriad Genetics, Inc.
Classification: Pathogenic for Familial adenomatous polyposis 1. Last evaluated: 2023-04-28. Review status: criteria provided, single submitter. Criteria: Myriad Autosomal Dominant, Autosomal Recessive and X-Linked Classification Criteria (2023). Collection method: clinical testing. Allele origin: unknown.
Comment: This variant is considered pathogenic. This variant creates a termination codon and is predicted to result in premature protein truncation.

Literature cited by the submitters: PubMed 31127692 (cited by Women's Health and Genetics/Laboratory Corporation of America, LabCorp).

NM_000038.6(APC):c.959C>A (p.Ser320Ter)

Gene: APC (APC regulator of Wnt signaling pathway; plus strand). Cytogenetic location: 5q22.2.
Variant type: single nucleotide variant.
Coding change: c.959C>A on transcript NM_000038.6 (MANE Select); coding-DNA position 959, C replaced by A.
Protein change: p.Ser320Ter; replaces serine 320 with a stop codon.
Molecular consequence: nonsense. On other transcripts: non-coding transcript variant (2), intron variant (15).
Genome position (GRCh38, 1-based): chr5:112,818,991, C>A. VCF-style: chr5-112818991-C-A. GRCh37 (hg19) VCF-style: chr5-112154688-C-A.
Other names: c.959C>A, p.Ser320Ter (NM_001127510.3, NM_001354895.2, NM_001354896.2 and 4 more transcripts); c.905C>A, p.Ser302Ter (NM_001127511.3); c.989C>A, p.Ser330Ter (NM_001354897.2, NM_001407446.1); c.884C>A, p.Ser295Ter (NM_001354898.2, NM_001407451.1); c.875C>A, p.Ser292Ter (NM_001354899.2, NM_001407452.1); c.782C>A, p.Ser261Ter (NM_001354900.2, NM_001354901.2, NM_001407453.1); c.110C>A, p.Ser37Ter (NM_001354906.2, NM_001407470.1); c.85-278C>A (NM_001407472.1, NM_001407471.1); and 5 more; short protein forms S261*, S292*, S295*, S302*, S320*, S330*, S37*.
Identifiers: ClinVar variation 2583947 (VCV002583947.2), dbSNP rs2149778990, ClinGen allele CA16023408.